The following is an entry in ClinVar:

ClinVar aggregate classification (germline): Uncertain significance (1 of 4 stars; one submission).

Conditions:
Progressive sclerosing poliodystrophy (MTDPS4A). Also called: ALPERS PROGRESSIVE INFANTILE POLIODYSTROPHY; NEURONAL DEGENERATION OF CHILDHOOD WITH LIVER DISEASE, PROGRESSIVE; Alpers Syndrome; ALPERS DIFFUSE DEGENERATION OF CEREBRAL GRAY MATTER WITH HEPATIC CIRRHOSIS; Alpers-Huttenlocher Syndrome; Mitochondrial DNA Depletion Syndrome 4A. Identifiers: Orphanet 726, MedGen C0205710, MONDO:0008758, OMIM 203700.

Allele frequency attached by ClinVar (database versions not stated): gnomAD exomes below 0.00001.
gnomAD v4.1: 3 of 1,561,860 alleles (0.00019%); highest among the groups gnomAD compares: Non-Finnish European, 0.00017%; no homozygotes.

Submission:

Labcorp Genetics (formerly Invitae), Labcorp
Classification: Uncertain significance for Progressive sclerosing poliodystrophy. Last evaluated: 2023-05-25. Review status: criteria provided, single submitter. Criteria: Invitae Variant Classification Sherloc (09022015). Collection method: clinical testing. Allele origin: germline.
Comment: In summary, the available evidence is currently insufficient to determine the role of this variant in disease. Therefore, it has been classified as a Variant of Uncertain Significance. Advanced modeling of protein sequence and biophysical properties (such as structural, functional, and spatial information, amino acid conservation, physicochemical variation, residue mobility, and thermodynamic stability) has been performed at Invitae for this missense variant, however the output from this modeling did not meet the statistical confidence thresholds required to predict the impact of this variant on POLG protein function. This variant has not been reported in the literature in individuals affected with POLG-related conditions. This variant is not present in population databases (gnomAD no frequency). This sequence change replaces leucine, which is neutral and non-polar, with phenylalanine, which is neutral and non-polar, at codon 141 of the POLG protein (p.Leu141Phe).

NM_002693.3(POLG):c.421C>T (p.Leu141Phe)

Genes: POLGARF (POLG alternative reading frame; minus strand), POLG (DNA polymerase gamma, catalytic subunit; minus strand). Cytogenetic location: 15q26.1.
Variant type: single nucleotide variant.
Coding change: c.421C>T on transcript NM_002693.3 (MANE Select); coding-DNA position 421, C replaced by T.
Protein change: p.Leu141Phe; replaces leucine 141 with phenylalanine.
Molecular consequence: missense variant.
Genome position (GRCh38, 1-based): chr15:89,333,334, G>A on the plus strand (C>T on the coding strand, the complement: POLG is on the minus strand). VCF-style: chr15-89333334-G-A. GRCh37 (hg19) VCF-style: chr15-89876565-G-A.
Other names: c.421C>T, p.Leu141Phe (NM_001126131.2); short protein forms L141F.
Identifiers: ClinVar variation 2775672 (VCV002775672.3), dbSNP rs2509275459, ClinGen allele CA393771875.